The following is an entry in ClinVar:

NM_001104631.2(PDE4D):c.1168C>G (p.Gln390Glu)

Gene: PDE4D (phosphodiesterase 4D; minus strand). Cytogenetic location: 5q11.2.
Variant type: single nucleotide variant.
Coding change: c.1168C>G on transcript NM_001104631.2 (MANE Select); coding-DNA position 1168, C replaced by G.
Protein change: p.Gln390Glu; replaces glutamine 390 with glutamic acid.
Molecular consequence: missense variant.
Genome position (GRCh38, 1-based): chr5:58,991,852, G>C on the plus strand (C>G on the coding strand, the complement: PDE4D is on the minus strand). VCF-style: chr5-58991852-G-C. GRCh37 (hg19) VCF-style: chr5-58287679-G-C.
Other names: c.400C>G, p.Gln134Glu (NM_001349243.2, NM_001364604.1); c.985C>G, p.Gln329Glu (NM_001364599.1, NM_001165899.2); c.262C>G, p.Gln88Glu (NM_001364603.1, NM_001197221.2); c.760C>G, p.Gln254Glu (NM_006203.5); c.976C>G, p.Gln326Glu (NM_001197218.2); c.802C>G, p.Gln268Glu (NM_001197219.2); c.778C>G, p.Gln260Glu (NM_001197220.2); c.496C>G, p.Gln166Glu (NM_001197222.2); and 4 more; short protein forms Q268E, Q326E, Q280E, Q260E, Q329E, Q390E, Q88E, Q134E.
Identifiers: ClinVar variation 1404734 (VCV001404734.8), dbSNP rs372918737, ClinGen allele CA3276144.

ClinVar aggregate classification (germline): Uncertain significance. Review status: criteria provided, multiple submitters, no conflicts (2 of 4 stars). 2 submissions from 2 submitters: Uncertain significance (2). Last evaluated 2025-11-10.

Conditions:
PDE4D-related disorder. Also called: PDE4D-related condition.

Allele frequency attached by ClinVar (database versions not stated): gnomAD exomes 0.00003 and 0.00006; gnomAD 0.00007 and 0.00009; TOPMed 0.00007; ExAC 0.00008; ESP Exome Variant Server 0.00008.
gnomAD v4.1: 59 of 1,515,168 alleles (0.0039%); highest among the groups gnomAD compares: Middle Eastern, 0.087%; 1 homozygote.

Submissions (2):

Labcorp Genetics (formerly Invitae), Labcorp
Classification: Uncertain significance. Last evaluated: 2025-11-10. Review status: criteria provided, single submitter. Criteria: Invitae Variant Classification Sherloc (09022015). Collection method: clinical testing. Allele origin: germline.
Comment: This sequence change replaces glutamine, which is neutral and polar, with glutamic acid, which is acidic and polar, at codon 390 of the PDE4D protein (p.Gln390Glu). This variant is present in population databases (rs372918737, gnomAD 0.01%), and has an allele count higher than expected for a pathogenic variant. This variant has not been reported in the literature in individuals affected with PDE4D-related conditions. ClinVar contains an entry for this variant (Variation ID: 1404734). Invitae Evidence Modeling of protein sequence and biophysical properties (such as structural, functional, and spatial information, amino acid conservation, physicochemical variation, residue mobility, and thermodynamic stability) indicates that this missense variant is not expected to disrupt PDE4D protein function with a negative predictive value of 80%. In summary, the available evidence is currently insufficient to determine the role of this variant in disease. Therefore, it has been classified as a Variant of Uncertain Significance.

PreventionGenetics, part of Exact Sciences
Classification: Uncertain significance for PDE4D-related condition. Last evaluated: 2024-10-21. Review status: criteria provided, single submitter. Criteria: ACMG Guidelines, 2015. Collection method: clinical testing. Allele origin: germline.
Comment: The PDE4D c.1168C>G variant is predicted to result in the amino acid substitution p.Gln390Glu. To our knowledge, this variant has not been reported in the literature. This variant is reported in 0.012% of alleles in individuals of European (Non-Finnish) descent in gnomAD. At this time, the clinical significance of this variant is uncertain due to the absence of conclusive functional and genetic evidence.